The following is an entry in ClinVar:

NM_019098.5(CNGB3):c.893_897del (p.Thr298fs)

Gene: CNGB3 (cyclic nucleotide gated channel subunit beta 3; minus strand). Cytogenetic location: 8q21.3.
Variant type: Deletion.
Coding change: c.893_897del on transcript NM_019098.5 (MANE Select); coding-DNA positions 893 to 897, 5 bases deleted (CAAAA; older notation c.893_897delCAAAA).
Protein change: p.Thr298fs; shifts the reading frame from threonine 298.
Molecular consequence: frameshift variant.
Genome position (GRCh38, 1-based): chr8:86,654,018-86,654,022, TTTTG deleted on the plus strand (CAAAA on the coding strand, the reverse complement: CNGB3 is on the minus strand); deleting any 5 consecutive bases within chr8:86,654,018-86,654,023 gives the same sequence; the c. name uses the placement nearest the transcript's 3' end. VCF-style (leftmost placement, unchanged base first): chr8-86654017-ATTTTG-A. GRCh37 (hg19) VCF-style: chr8-87666245-ATTTTG-A.
Other names: short protein forms T298fs.
Identifiers: ClinVar variation 1724210 (VCV001724210.3), dbSNP rs776581420, ClinGen allele CA4800238.

ClinVar aggregate classification (germline): Pathogenic/Likely pathogenic. Review status: criteria provided, multiple submitters, no conflicts (2 of 4 stars). 2 submissions from 2 submitters: Pathogenic (1); Likely pathogenic (1). Last evaluated 2024-06-12.

Conditions:
Achromatopsia 3 (ACHM3). Also called: PINGELAPESE BLINDNESS; TOTAL COLORBLINDNESS WITH MYOPIA; ROD MONOCHROMACY 1; ACHROMATOPSIA WITH MYOPIA; ROD MONOCHROMATISM 1. Identifiers: Orphanet 49382, MedGen C1849792, MONDO:0009875, OMIM 262300.
CNGB3-related disorder. Also called: CNGB3-related disorders; CNGB3-related condition. Identifiers: MedGen CN239340.

Submissions (2):

Blueprint Genetics
Classification: Pathogenic for CNGB3-related disorders. Last evaluated: 2024-06-12. Review status: criteria provided, single submitter. Criteria: ACMG Guidelines, 2015. Collection method: clinical testing. Allele origin: germline. Affected: yes. Observed: 5 variant alleles.

Myriad Genetics, Inc.
Classification: Likely pathogenic for Achromatopsia 3. Last evaluated: 2022-02-01. Review status: criteria provided, single submitter. Criteria: Myriad Women's Health Autosomal Recessive and X-Linked Classification Criteria (2021). Collection method: clinical testing. Allele origin: unknown.
Comment: NM_019098.4(CNGB3):c.893_897del5(T298Ifs*12) is expected to be pathogenic in the context of CNGB3-related achromatopsia. This variant is predicted to lead to an abnormal or absent protein product due to the creation of a premature termination codon in CNGB3, a gene where loss-of-function variants are known to be pathogenic. Please note: this variant was assessed in the context of healthy population screening.